The following is an entry in ClinVar:

NM_152424.4(AMER1):c.2922G>A (p.Trp974Ter)

Gene: AMER1 (APC membrane recruitment protein 1; minus strand). Cytogenetic location: Xq11.2.
Variant type: single nucleotide variant.
Coding change: c.2922G>A on transcript NM_152424.4 (MANE Select); coding-DNA position 2922, G replaced by A.
Protein change: p.Trp974Ter; replaces tryptophan 974 with a stop codon.
Molecular consequence: nonsense.
Genome position (GRCh38, 1-based): chrX:64,190,365, C>T on the plus strand (G>A on the coding strand, the complement: AMER1 is on the minus strand). VCF-style: chrX-64190365-C-T. GRCh37 (hg19) VCF-style: chrX-63410245-C-T.
Other names: short protein forms W974*.
Identifiers: ClinVar variation 1310949 (VCV001310949.2), dbSNP rs2147084982, ClinGen allele CA413301892.

ClinVar aggregate classification (germline): Uncertain significance (1 of 4 stars; one submission).

Submission:

GeneDx
Classification: Uncertain significance. Last evaluated: 2019-12-16. Review status: criteria provided, single submitter. Criteria: GeneDx Variant Classification Process June 2021. Collection method: clinical testing. Allele origin: germline. Affected: yes.
Comment: Not observed in large population cohorts (Lek et al., 2016); Nonsense variant predicted to result in protein truncation, although loss-of-function variants have not been reported downstream of this position in the protein; Has not been previously published as pathogenic or benign to our knowledge